The following is an entry in ClinVar:

ClinVar aggregate classification (germline): Uncertain significance (1 of 4 stars; one submission).

gnomAD v4.1: 1 of 1,211,452 alleles (0.000083%); highest among the groups gnomAD compares: Admixed American, 0.0022%; no homozygotes.

Submission:

Dasa
Classification: Uncertain significance. Last evaluated: 2025-01-23. Review status: criteria provided, single submitter. Criteria: DASA Assertion Criteria. Collection method: clinical testing. Allele origin: germline.
Comment: NM_152274.5(CCNQ):c.352C>T (p.Arg118Trp) is a missense variant that results in the substitution of arginine with tryptophan. This variant is rare in population databases. Computational prediction algorithms are consistent with a benign effect. The currently available literature and clinical evidence are not sufficient to establish a definitive association between this variant and the reported condition. Therefore, this variant is classified as a variant of uncertain significance.

NM_152274.5(CCNQ):c.352C>T (p.Arg118Trp)

Gene: CCNQ (cyclin Q; minus strand). Cytogenetic location: Xq28.
Variant type: single nucleotide variant.
Coding change: c.352C>T on transcript NM_152274.5 (MANE Select); coding-DNA position 352, C replaced by T.
Protein change: p.Arg118Trp; replaces arginine 118 with tryptophan.
Molecular consequence: missense variant.
Genome position (GRCh38, 1-based): chrX:153,594,624, G>A on the plus strand (C>T on the coding strand, the complement: CCNQ is on the minus strand). VCF-style: chrX-153594624-G-A. GRCh37 (hg19) VCF-style: chrX-152860082-G-A.
Other names: c.352C>T, p.Arg118Trp (NM_001130997.3); short protein forms R118W.
Identifiers: ClinVar variation 4882437 (VCV004882437.2).
Genomic context (GRCh38, chrX:153,594,624, plus strand): 5'-AGGAGACCTGGAAGCGCAGAACTCTCAGCATGAGAAGCTCACACTGCACGATGCTGTCCC[G>A]GAGTTCCCAGAAGCGGGAGTCCAATTCCAGGGGCTCACCGCTTGGGTTAAAGTACCTGCG-3'
Protein context (NP_689487.2, residues 108-128): LELDSRFWEL[Arg118Trp]DSIVQCELLM